The following is an entry in ClinVar:

NM_001371596.2(MFSD8):c.918del (p.Leu307fs)

Gene: MFSD8 (major facilitator superfamily domain containing 8; minus strand). Cytogenetic location: 4q28.2.
Variant type: Deletion.
Coding change: c.918del on transcript NM_001371596.2 (MANE Select); coding-DNA position 918, one base deleted (G; older notation c.918delG).
Protein change: p.Leu307fs; shifts the reading frame from leucine 307.
Molecular consequence: frameshift variant.
Genome position (GRCh38, 1-based): chr4:127,930,763, C deleted on the plus strand (G on the coding strand, the reverse complement: MFSD8 is on the minus strand). VCF-style (leftmost placement, unchanged base first): chr4-127930762-AC-A. GRCh37 (hg19) VCF-style: chr4-128851917-AC-A.
Other names: c.717delG, p.Leu240Tyrfs (NM_001363520.3); c.603delG, p.Leu202Tyrfs (NM_001363521.3); c.783delG, p.Leu262Tyrfs (NM_001371590.2); c.918delG, p.Leu307Tyrfs (NM_001371591.2); c.924delG, p.Leu309Tyrfs (NM_001371592.2); c.804delG, p.Leu269Tyrfs (NM_001371593.2, NM_001410766.1); c.771delG, p.Leu258Tyrfs (NM_001371594.2); c.636del, p.Leu213fs (NM_001371595.1); and 2 more; short protein forms L258fs, L262fs, L269fs, L202fs, L307fs, L213fs, L309fs, L240fs.
Identifiers: ClinVar variation 2035714 (VCV002035714.4), dbSNP rs2546083492, ClinGen allele CA2580071523.

ClinVar aggregate classification (germline): Pathogenic (1 of 4 stars; one submission).

Conditions:
Neuronal ceroid lipofuscinosis 7 (CLN7). Also called: MFSD8-Related Neuronal Ceroid-Lipofuscinosis. Identifiers: Orphanet 168491, Orphanet 228366, MedGen C1838571, MONDO:0012588, OMIM 610951.

Submission:

Labcorp Genetics (formerly Invitae), Labcorp
Classification: Pathogenic for Neuronal ceroid lipofuscinosis 7. Last evaluated: 2022-10-15. Review status: criteria provided, single submitter. Criteria: Invitae Variant Classification Sherloc (09022015). Collection method: clinical testing. Allele origin: germline.
Comment: This sequence change creates a premature translational stop signal (p.Leu307Tyrfs*5) in the MFSD8 gene. It is expected to result in an absent or disrupted protein product. Loss-of-function variants in MFSD8 are known to be pathogenic (PMID: 19177532, 25227500, 28586915). This variant is not present in population databases (gnomAD no frequency). This variant has not been reported in the literature in individuals affected with MFSD8-related conditions. For these reasons, this variant has been classified as Pathogenic.

Literature cited by the submitters: PubMed 19177532; PubMed 25227500; PubMed 28586915.